The following is an entry in ClinVar:

ClinVar aggregate classification (germline): Benign/Likely benign. Review status: criteria provided, multiple submitters, no conflicts (2 of 4 stars). 5 submissions from 5 submitters: Benign (3); Likely benign (2). Last evaluated 2026-02-02.

Conditions:
Brain small vessel disease 2A, autosomal dominant. Also called: Porencephaly 2. Identifiers: Orphanet 2940, Orphanet 99810, MedGen C3280970, MONDO:0013773, OMIM 614483.

Allele frequency attached by ClinVar (database versions not stated): ESP Exome Variant Server 0.00571; gnomAD 0.00695 and 0.00734; TOPMed 0.00869; 1000 Genomes Project 30x 0.00874; gnomAD exomes 0.00879 and 0.01034; 1000 Genomes Project 0.00899; ExAC 0.00950.
gnomAD v4.1: 13,866 of 1,614,134 alleles (0.86%); highest among the groups gnomAD compares: Admixed American, 3.1%; 117 homozygotes.

Submissions (8):

Labcorp Genetics (formerly Invitae), Labcorp
Classification: Benign. Last evaluated: 2026-02-02. Review status: criteria provided, single submitter. Criteria: Invitae Variant Classification Sherloc (09022015). Collection method: clinical testing. Allele origin: germline.

Mayo Clinic Laboratories, Mayo Clinic
Classification: Benign. Last evaluated: 2024-05-30. Review status: criteria provided, single submitter. Criteria: ACMG Guidelines, 2015. Collection method: clinical testing. Allele origin: germline. Observed: 2 variant alleles.
Comment: BS1, BS2

GeneDx
Classification: Likely benign. Last evaluated: 2019-11-03. Review status: criteria provided, single submitter. Criteria: GeneDx Variant Classification Process June 2021. Collection method: clinical testing. Allele origin: germline. Affected: yes.

Illumina Laboratory Services, Illumina
Classification: Benign for Brain small vessel disease 2A, autosomal dominant. Last evaluated: 2018-01-13. Review status: criteria provided, single submitter. Criteria: ICSL Variant Classification Criteria 13 December 2019. Collection method: clinical testing. Allele origin: germline.
Comment: This variant was observed in the ICSL laboratory as part of a predisposition screen in an ostensibly healthy population. It had not been previously curated by ICSL or reported in the Human Gene Mutation Database (HGMD: prior to June 1st, 2018), and was therefore a candidate for classification through an automated scoring system. Utilizing variant allele frequency, disease prevalence and penetrance estimates, and inheritance mode, an automated score was calculated to assess if this variant is too frequent to cause the disease. Based on the score and internal cut-off values, a variant classified as benign is not then subjected to further curation. The score for this variant resulted in a classification of benign for this disease.

Breakthrough Genomics
Classification: Likely benign. Review status: criteria provided, single submitter. Criteria: ACMG Guidelines, 2015. Collection method: not provided. Allele origin: germline. Inheritance: Autosomal dominant inheritance. Affected: yes.

Dr. Peter K. Rogan Lab, Western University
No classification provided (evidence only). Condition: Ovarian serous cystadenocarcinoma. Review status: no classification provided. Collection method: in vitro. Allele origin: not applicable. Functional consequence: retained intron. Not counted in ClinVar's aggregate classification.

Dr. Peter K. Rogan Lab, Western University
No classification provided (evidence only). Condition: Ovarian serous cystadenocarcinoma. Review status: no classification provided. Collection method: in vitro. Allele origin: not applicable. Functional consequence: retained intron. Not counted in ClinVar's aggregate classification.

Dr. Peter K. Rogan Lab, Western University
No classification provided (evidence only). Condition: Gastric cancer. Review status: no classification provided. Collection method: in vitro. Allele origin: not applicable. Functional consequence: retained intron. Not counted in ClinVar's aggregate classification.

NM_001846.4(COL4A2):c.574G>T (p.Val192Phe)

Gene: COL4A2 (collagen type IV alpha 2 chain; plus strand). Cytogenetic location: 13q34.
Variant type: single nucleotide variant.
Coding change: c.574G>T on transcript NM_001846.4 (MANE Select); coding-DNA position 574, G replaced by T.
Protein change: p.Val192Phe; replaces valine 192 with phenylalanine.
Molecular consequence: missense variant.
Genome position (GRCh38, 1-based): chr13:110,430,425, G>T. VCF-style: chr13-110430425-G-T. GRCh37 (hg19) VCF-style: chr13-111082772-G-T.
Other names: short protein forms V192F.
Identifiers: ClinVar variation 311106 (VCV000311106.20), dbSNP rs62621885, ClinGen allele CA7048962.
Genomic context (GRCh38, chr13:110,430,425, plus strand): 5'-AAGCTATCACTCTTAAAATTATTTCTTCTCCATTAGGGTGAACCTGGAGAGCCTGGATTG[G>T]TCGGTTTCCAGGTAAGTTTATTTTTATTGGACGATATTCCAAACAAAAGTTTAAGAGCTT-3'
Protein context (NP_001837.2, residues 182-202): YRGEPGEPGL[Val192Phe]GFQGPPGRPG